The following is an entry in ClinVar:

ClinVar aggregate classification (germline): Uncertain significance (1 of 4 stars; one submission).

Conditions:
EGFR-related lung cancer (EGFR). Identifiers: MedGen CN130014.

Submission:

Labcorp Genetics (formerly Invitae), Labcorp
Classification: Uncertain significance for EGFR-related lung cancer. Last evaluated: 2023-06-17. Review status: criteria provided, single submitter. Criteria: Invitae Variant Classification Sherloc (09022015). Collection method: clinical testing. Allele origin: germline.
Comment: This variant has not been reported in the literature in individuals affected with EGFR-related conditions. This variant is not present in population databases (gnomAD no frequency). This sequence change replaces threonine, which is neutral and polar, with proline, which is neutral and non-polar, at codon 1074 of the EGFR protein (p.Thr1074Pro). In summary, the available evidence is currently insufficient to determine the role of this variant in disease. Therefore, it has been classified as a Variant of Uncertain Significance. An algorithm developed to predict the effect of missense changes on protein structure and function (PolyPhen-2) suggests that this variant is likely to be disruptive. ClinVar contains an entry for this variant (Variation ID: 2045039).

NM_005228.5(EGFR):c.3220A>C (p.Thr1074Pro)

Gene: EGFR (epidermal growth factor receptor; plus strand). Cytogenetic location: 7p11.2.
Variant type: single nucleotide variant.
Coding change: c.3220A>C on transcript NM_005228.5 (MANE Select); coding-DNA position 3220, A replaced by C.
Protein change: p.Thr1074Pro; replaces threonine 1074 with proline.
Molecular consequence: missense variant.
Genome position (GRCh38, 1-based): chr7:55,202,574, A>C. VCF-style: chr7-55202574-A-C. GRCh37 (hg19) VCF-style: chr7-55270267-A-C.
Other names: c.3085A>C, p.Thr1029Pro (NM_001346897.2, NM_001346899.2); c.3220A>C, p.Thr1074Pro (NM_001346898.2); c.3061A>C, p.Thr1021Pro (NM_001346900.2); c.2419A>C, p.Thr807Pro (NM_001346941.2); short protein forms T1074P, T1021P, T1029P, T807P.
Identifiers: ClinVar variation 2045039 (VCV002045039.4), dbSNP rs1275982156, ClinGen allele CA367583371.
Genomic context (GRCh38, chr7:55,202,574, plus strand): 5'-CAGCTGCAAAGCTGTCCCATCAAGGAAGACAGCTTCTTGCAGCGATACAGCTCAGACCCC[A>C]CAGGCGCCTTGACTGAGGACAGCATAGACGACACCTTCCTCCCAGTGCCTGGTGAGTGGC-3'
Protein context (NP_005219.2, residues 1064-1084): SFLQRYSSDP[Thr1074Pro]GALTEDSIDD